The following is an entry in ClinVar:

NM_005529.7(HSPG2):c.11546G>A (p.Arg3849Gln)

Gene: HSPG2 (heparan sulfate proteoglycan 2; minus strand). Cytogenetic location: 1p36.12.
Variant type: single nucleotide variant.
Coding change: c.11546G>A on transcript NM_005529.7 (MANE Select); coding-DNA position 11546, G replaced by A.
Protein change: p.Arg3849Gln; replaces arginine 3849 with glutamine.
Molecular consequence: missense variant.
Genome position (GRCh38, 1-based): chr1:21,831,231, C>T on the plus strand (G>A on the coding strand, the complement: HSPG2 is on the minus strand). VCF-style: chr1-21831231-C-T. GRCh37 (hg19) VCF-style: chr1-22157724-C-T.
Other names: c.11549G>A, p.Arg3850Gln (NM_001291860.2); c.11546G>A (NM_005529.6, NM_005529.5); short protein forms R3850Q, R3849Q.
Identifiers: ClinVar variation 1420992 (VCV001420992.9), dbSNP rs144525987, ClinGen allele CA669745.

ClinVar aggregate classification (germline): Uncertain significance. Review status: criteria provided, multiple submitters, no conflicts (2 of 4 stars). 4 submissions from 4 submitters: Uncertain significance (4). Last evaluated 2025-01-21.

Conditions:
Inborn genetic diseases. Identifiers: MedGen C0950123, MeSH D030342.

gnomAD v4.1: 50 of 1,613,754 alleles (0.0031%); highest among the groups gnomAD compares: Admixed American, 0.027%; no homozygotes.

Submissions (5):

Ambry Genetics
Classification: Uncertain significance for Inborn genetic diseases. Last evaluated: 2025-01-21. Review status: criteria provided, single submitter. Criteria: Ambry Variant Classification Scheme 2023. Collection method: clinical testing. Allele origin: germline.

ARUP Laboratories, Molecular Genetics and Genomics, ARUP Laboratories
Classification: Uncertain significance. Last evaluated: 2024-08-01. Review status: criteria provided, single submitter. Criteria: ARUP Molecular Germline Variant Investigation Process 2024. Collection method: clinical testing. Allele origin: germline.
Comment: The HSPG2 c.11546G>A; p.Arg3849Gln variant (rs144525987), to our knowledge, is not reported in the medical literature but is reported in ClinVar (Variation ID: 1420992). This variant is found in the Admixed American population with an allele frequency of 0.04% (15/34562 alleles) in the Genome Aggregation Database (v2.1.1). Computational analyses are uncertain whether this variant is neutral or deleterious (REVEL: 0.197). Due to limited information, the clinical significance of this variant is uncertain at this time.

Athena Diagnostics
Classification: Uncertain significance. Last evaluated: 2023-09-14. Review status: criteria provided, single submitter. Criteria: Athena Diagnostics Criteria. Collection method: clinical testing. Allele origin: unknown.
Comment: Available data are insufficient to determine the clinical significance of the variant at this time. The frequency of this variant in the general population is uninformative in assessment of its pathogenicity. Computational tools predict that this variant is not damaging.

Labcorp Genetics (formerly Invitae), Labcorp
Classification: Uncertain significance. Last evaluated: 2021-08-26. Review status: criteria provided, single submitter. Criteria: Invitae Variant Classification Sherloc (09022015). Collection method: clinical testing. Allele origin: germline.
Comment: This sequence change replaces arginine with glutamine at codon 3849 of the HSPG2 protein (p.Arg3849Gln). The arginine residue is weakly conserved and there is a small physicochemical difference between arginine and glutamine. This variant is present in population databases (rs144525987, ExAC 0.04%). This variant has not been reported in the literature in individuals affected with HSPG2-related conditions. Algorithms developed to predict the effect of missense changes on protein structure and function output the following: SIFT: "Tolerated"; PolyPhen-2: "Benign"; Align-GVGD: "Class C0". The glutamine amino acid residue is found in multiple mammalian species, which suggests that this missense change does not adversely affect protein function. Algorithms developed to predict the effect of sequence changes on RNA splicing suggest that this variant may create or strengthen a splice site. In summary, the available evidence is currently insufficient to determine the role of this variant in disease. Therefore, it has been classified as a Variant of Uncertain Significance.

Dr. Peter K. Rogan Lab, Western University
No classification provided (evidence only). Condition: Malignant tumor of esophagus. Review status: no classification provided. Collection method: in vitro. Allele origin: not applicable. Functional consequence: retained intron. Not counted in ClinVar's aggregate classification.